The following is an entry in ClinVar:

ClinVar aggregate classification (germline): Uncertain significance. Review status: criteria provided, multiple submitters, no conflicts (2 of 4 stars). 4 submissions from 4 submitters: Uncertain significance (4). Last evaluated 2025-07-10.

Conditions:
Familial adenomatous polyposis 1 (FAP1). Also called: FAMILIAL ADENOMATOUS POLYPOSIS 1, ATTENUATED; POLYPOSIS, ADENOMATOUS INTESTINAL. Identifiers: MedGen C2713442, MONDO:0021056, OMIM 175100. Disease mechanism: loss of function.
Hereditary cancer-predisposing syndrome. Also called: Tumor predisposition; Hereditary Cancer Syndrome; Hereditary neoplastic syndrome; Neoplastic Syndromes, Hereditary. Identifiers: Orphanet 140162, MedGen C0027672, MeSH D009386, MONDO:0015356.

Allele frequency attached by ClinVar (database versions not stated): gnomAD exomes below 0.00001 and 0.00001.
gnomAD v4.1: 12 of 1,614,146 alleles (0.00074%); highest among the groups gnomAD compares: Non-Finnish European, 0.001%; no homozygotes.

Submissions (4):

Ambry Genetics
Classification: Uncertain significance for Hereditary cancer-predisposing syndrome. Last evaluated: 2025-07-10. Review status: criteria provided, single submitter. Criteria: Ambry Variant Classification Scheme 2023. Collection method: clinical testing. Allele origin: germline.
Comment: The p.E1097K variant (also known as c.3289G>A), located in coding exon 15 of the APC gene, results from a G to A substitution at nucleotide position 3289. The glutamic acid at codon 1097 is replaced by lysine, an amino acid with similar properties. This amino acid position is well conserved in available vertebrate species. In addition, in silico predictors for this gene do not accurately predict pathogenicity. Since supporting evidence is limited at this time, the clinical significance of this alteration remains unclear.

Labcorp Genetics (formerly Invitae), Labcorp
Classification: Uncertain significance for Familial adenomatous polyposis 1. Last evaluated: 2024-11-24. Review status: criteria provided, single submitter. Criteria: Invitae Variant Classification Sherloc (09022015). Collection method: clinical testing. Allele origin: germline.
Comment: This sequence change replaces glutamic acid, which is acidic and polar, with lysine, which is basic and polar, at codon 1097 of the APC protein (p.Glu1097Lys). This variant is present in population databases (no rsID available, gnomAD 0.0009%). This variant has not been reported in the literature in individuals affected with APC-related conditions. ClinVar contains an entry for this variant (Variation ID: 411450). Invitae Evidence Modeling of protein sequence and biophysical properties (such as structural, functional, and spatial information, amino acid conservation, physicochemical variation, residue mobility, and thermodynamic stability) indicates that this missense variant is not expected to disrupt APC protein function with a negative predictive value of 95%. In summary, the available evidence is currently insufficient to determine the role of this variant in disease. Therefore, it has been classified as a Variant of Uncertain Significance.

Color Diagnostics, LLC DBA Color Health
Classification: Uncertain significance for Hereditary cancer-predisposing syndrome. Last evaluated: 2024-03-06. Review status: criteria provided, single submitter. Criteria: ACMG Guidelines, 2015. Collection method: clinical testing. Allele origin: germline.
Comment: This missense variant replaces glutamic acid with lysine at codon 1097 of the APC protein. Computational prediction suggests that this variant may not impact protein structure and function (internally defined REVEL score threshold <= 0.5, PMID: 27666373). To our knowledge, functional studies have not been reported for this variant. This variant has not been reported in individuals affected with hereditary cancer in the literature. This variant has been identified in 1/250290 chromosomes in the general population by the Genome Aggregation Database (gnomAD). The available evidence is insufficient to determine the role of this variant in disease conclusively. Therefore, this variant is classified as a Variant of Uncertain Significance.

GeneDx
Classification: Uncertain significance. Last evaluated: 2016-04-25. Review status: criteria provided, single submitter. Criteria: GeneDx Variant Classification (06012015). Collection method: clinical testing. Allele origin: germline. Affected: yes.
Comment: This variant is denoted APC c.3289G>A at the cDNA level, p.Glu1097Lys (E1097K) at the protein level, and results in the change of a Glutamic Acid to a Lysine (GAA>AAA). This variant has not, to our knowledge, been published in the literature as pathogenic or benign. APC Glu1097Lys was not observed in approximately 6,500 individuals of European and African American ancestry in the NHLBI Exome Sequencing Project, suggesting it is not a common benign variant in these populations. Since Glutamic Acid and Lysine differ in polarity, charge, size or other properties, this is considered a non-conservative amino acid substitution. APC Glu1097Lys occurs at a position that is conserved across species and is located within the 15-amino acid repeat Beta-catenin binding domain (Azzopardi 2008). In silico analyses are inconsistent regarding the effect this variant may have on protein structure and function. Based on currently available evidence, it is unclear whether APC Glu1097Lys is a pathogenic or benign variant. We consider it to be a variant of uncertain significance.

NM_000038.6(APC):c.3289G>A (p.Glu1097Lys)

Gene: APC (APC regulator of Wnt signaling pathway; plus strand). Cytogenetic location: 5q22.2.
Variant type: single nucleotide variant.
Coding change: c.3289G>A on transcript NM_000038.6 (MANE Select); coding-DNA position 3289, G replaced by A.
Protein change: p.Glu1097Lys; replaces glutamic acid 1097 with lysine.
Molecular consequence: missense variant.
Genome position (GRCh38, 1-based): chr5:112,838,883, G>A. VCF-style: chr5-112838883-G-A. GRCh37 (hg19) VCF-style: chr5-112174580-G-A.
Other names: c.3289G>A, p.Glu1097Lys (NM_001127510.3, NM_001354895.2); c.3235G>A, p.Glu1079Lys (NM_001127511.3); c.3343G>A, p.Glu1115Lys (NM_001354896.2); c.3319G>A, p.Glu1107Lys (NM_001354897.2); c.3214G>A, p.Glu1072Lys (NM_001354898.2); c.3205G>A, p.Glu1069Lys (NM_001354899.2); c.3166G>A, p.Glu1056Lys (NM_001354900.2); c.3112G>A, p.Glu1038Lys (NM_001354901.2); and 5 more; short protein forms E1079K, E1097K, E1056K, E814K, E996K, E1038K, E1115K, E937K.
Identifiers: ClinVar variation 411450 (VCV000411450.19), dbSNP rs1060503312, ClinGen allele CA16028554.